The following is an entry in ClinVar:

ClinVar aggregate classification (germline): Conflicting classifications of pathogenicity. Review status: criteria provided, conflicting classifications (1 of 4 stars). 3 submissions from 2 submitters: Uncertain significance (2); Benign (1). Last evaluated 2018-01-12.

Conditions:
WFS1-Related Spectrum Disorders.
Autosomal dominant nonsyndromic hearing loss 6 (LFSNHL). Also called: DEAFNESS, AUTOSOMAL DOMINANT 6; DEAFNESS, AUTOSOMAL DOMINANT 14; DEAFNESS, AUTOSOMAL DOMINANT 38; Autosomal dominant nonsyndromic deafness 6; DIDMOAD (Diabetes Insipidus, Diabetes Mellitus, Optic Atrophy, and Deafness). Identifiers: Orphanet 90635, MedGen C1833021, MONDO:0010963, OMIM 600965.
Wolfram syndrome 1 (WFS1). Identifiers: Orphanet 3463, MedGen C4551693, MONDO:0009101, OMIM 222300.

Submissions (3):

Illumina Laboratory Services, Illumina
Classification: Uncertain significance for Autosomal dominant nonsyndromic hearing loss 6. Last evaluated: 2018-01-12. Review status: criteria provided, single submitter. Criteria: ICSL Variant Classification Criteria 13 December 2019. Collection method: clinical testing. Allele origin: germline.

Illumina Laboratory Services, Illumina
Classification: Uncertain significance for WFS1-Related Spectrum Disorders. Last evaluated: 2018-01-12. Review status: criteria provided, single submitter. Criteria: ICSL Variant Classification Criteria 13 December 2019. Collection method: clinical testing. Allele origin: germline.

Clinical Genomics, Uppaluri K&H Personalized Medicine Clinic
Classification: Benign for Wolfram syndrome 1. Review status: criteria provided, single submitter. Criteria: K & H Uppaluri Personalized Medicine Clinic Variant Classification & Assertion Criteria_Updated V.1. Collection method: research. Allele origin: unknown. Inheritance: Autosomal recessive inheritance.
Comment: Potent mutations in WFS1 gene are associated with Wolfram's syndrome, an autosomal recessive condition, which cause diabetes mellitus, diabetes insipidus, deafness and optic atrophy.However no sufficient evidence is found to ascertain the role of this particular variant rs886059537 in Wolfram's syndrome yet.

Literature cited by the submitters: PubMed 20738327 (cited by Clinical Genomics, Uppaluri K&H Personalized Medicine Clinic); PubMed 33879153 (cited by Clinical Genomics, Uppaluri K&H Personalized Medicine Clinic); PubMed 12955714 (cited by Clinical Genomics, Uppaluri K&H Personalized Medicine Clinic); PubMed 18060660 (cited by Clinical Genomics, Uppaluri K&H Personalized Medicine Clinic); PubMed 20301750 (cited by Clinical Genomics, Uppaluri K&H Personalized Medicine Clinic); PubMed 17603484 (cited by Clinical Genomics, Uppaluri K&H Personalized Medicine Clinic).

NM_006005.3(WFS1):c.*526A>C

Gene: WFS1 (wolframin ER transmembrane glycoprotein; plus strand). Cytogenetic location: 4p16.1.
Variant type: single nucleotide variant.
Coding change: c.*526A>C on transcript NM_006005.3 (MANE Select); 526 bases downstream of the stop codon, A replaced by C.
Molecular consequence: 3 prime UTR variant.
Genome position (GRCh38, 1-based): chr4:6,302,994, A>C. VCF-style: chr4-6302994-A-C. GRCh37 (hg19) VCF-style: chr4-6304721-A-C.
Other names: c.*526A>C (NM_001145853.1).
Identifiers: ClinVar variation 349352 (VCV000349352.6), dbSNP rs886059537, ClinGen allele CA10621491.